The following is an entry in ClinVar:

ClinVar aggregate classification (germline): Pathogenic (1 of 4 stars; one submission).

Allele frequency attached by ClinVar (database versions not stated): gnomAD exomes below 0.00001.

Submission:

Labcorp Genetics (formerly Invitae), Labcorp
Classification: Pathogenic. Last evaluated: 2023-03-21. Review status: criteria provided, single submitter. Criteria: Invitae Variant Classification Sherloc (09022015). Collection method: clinical testing. Allele origin: germline.
Comment: For these reasons, this variant has been classified as Pathogenic. This variant has not been reported in the literature in individuals affected with TSFM-related conditions. This variant is not present in population databases (gnomAD no frequency). This sequence change creates a premature translational stop signal (p.Tyr159Hisfs*11) in the TSFM gene. It is expected to result in an absent or disrupted protein product. Loss-of-function variants in TSFM are known to be pathogenic (PMID: 17033963, 20435138, 25037205, 27677415).

Literature cited by the submitters: PubMed 17033963; PubMed 20435138; PubMed 25037205; PubMed 27677415.

NM_005726.6(TSFM):c.472_473dup (p.Tyr159fs)

Gene: TSFM (Ts translation elongation factor, mitochondrial; plus strand). Cytogenetic location: 12q14.1.
Variant type: Duplication.
Coding change: c.472_473dup on transcript NM_005726.6 (MANE Select); coding-DNA positions 472 to 473, 2 bases duplicated (GC; older notation c.472_473dupGC).
Protein change: p.Tyr159fs; shifts the reading frame from tyrosine 159.
Molecular consequence: frameshift variant.
Genome position (GRCh38, 1-based): chr12:57,787,151-57,787,152, GC duplicated. VCF-style (leftmost placement, unchanged base first): chr12-57787150-T-TGC. GRCh37 (hg19) VCF-style: chr12-58180933-T-TGC.
Other names: c.472_473dup, p.Tyr159fs (NM_001172695.2, NM_001172696.2, NM_001172697.2); short protein forms Y159fs.
Identifiers: ClinVar variation 2732013 (VCV002732013.3), dbSNP rs2540951027, ClinGen allele CA2619524796.